The following is an entry in ClinVar:

NC_000013.11:g.32339572_32339573delinsA

Gene: BRCA2 (BRCA2 DNA repair associated; plus strand). Cytogenetic location: 13q13.1.
Variant type: Indel.
Genome position: GRCh38 VCF-style: chr13-32339572-TT-A. GRCh37 (hg19) VCF-style: chr13-32913709-TT-A.
Other names: 5445_5446delinsA; c.5217_5218delinsA, p.Tyr1739_Leu1740delinsTer (LRG_293t1).
Identifiers: ClinVar variation 266862 (VCV000266862.5), dbSNP rs886040579, ClinGen allele CA10589299.
Genomic context (GRCh38, chr13:32,339,572, plus strand): 5'-TTCAAACAGTACTATAGCTGAAAATGACAAAAATCATCTCTCCGAAAAACAAGATACTTA[TT>A]TAAGTAACAGTAGCATGTCTAACAGCTATTCCTACCATTCTGATGAGGTATATAATGATT-3'

ClinVar aggregate classification (germline): Pathogenic. Review status: reviewed by expert panel (3 of 4 stars). 2 submissions from 2 submitters: Pathogenic (1). 1 of the submissions does not count toward it. Last evaluated 2016-10-18.

Conditions:
Breast-ovarian cancer, familial, susceptibility to, 2 (BROVCA2). Also called: BRCA2 Hereditary Breast and Ovarian Cancer. Identifiers: Orphanet 145, MedGen C2675520, MONDO:0012933, OMIM 612555. Disease mechanism: loss of function.

Submissions (2):

Evidence-based Network for the Interpretation of Germline Mutant Alleles (ENIGMA)
Classification: Pathogenic for Breast-ovarian cancer, familial, susceptibility to, 2. Last evaluated: 2016-10-18. Review status: reviewed by expert panel. Criteria: ENIGMA BRCA1/2 Classification Criteria (2015). Collection method: curation. Allele origin: germline.
Comment: Variant allele predicted to encode a truncated non-functional protein.

Consortium of Investigators of Modifiers of BRCA1/2 (CIMBA), c/o University of Cambridge
Classification: Pathogenic for Breast-ovarian cancer, familial, susceptibility to, 2. Last evaluated: 2015-10-02. Review status: criteria provided, single submitter. Criteria: CIMBA Mutation Classification guidelines May 2016. Collection method: clinical testing. Allele origin: germline. Not counted in ClinVar's aggregate classification.